The following is an entry in ClinVar:

NM_145178.4(ATOH7):c.173C>T (p.Thr58Ile)

Gene: ATOH7 (atonal bHLH transcription factor 7; minus strand). Cytogenetic location: 10q21.3.
Variant type: single nucleotide variant.
Coding change: c.173C>T on transcript NM_145178.4 (MANE Select); coding-DNA position 173, C replaced by T.
Protein change: p.Thr58Ile; replaces threonine 58 with isoleucine.
Molecular consequence: missense variant.
Genome position (GRCh38, 1-based): chr10:68,231,505, G>A on the plus strand (C>T on the coding strand, the complement: ATOH7 is on the minus strand). VCF-style: chr10-68231505-G-A. GRCh37 (hg19) VCF-style: chr10-69991262-G-A.
Other names: short protein forms T58I.
Identifiers: ClinVar variation 961790 (VCV000961790.9), dbSNP rs1267313179, ClinGen allele CA376836964.

ClinVar aggregate classification (germline): Uncertain significance (1 of 4 stars; one submission).

Allele frequency attached by ClinVar (database versions not stated): gnomAD exomes below 0.00001.
gnomAD v4.1: 1 of 1,469,796 alleles (0.000068%); highest among the groups gnomAD compares: African/African-American, 0.0014%; no homozygotes.

Submission:

Labcorp Genetics (formerly Invitae), Labcorp
Classification: Uncertain significance. Last evaluated: 2022-09-06. Review status: criteria provided, single submitter. Criteria: Invitae Variant Classification Sherloc (09022015). Collection method: clinical testing. Allele origin: germline.
Comment: Algorithms developed to predict the effect of missense changes on protein structure and function are either unavailable or do not agree on the potential impact of this missense change (SIFT: "Deleterious"; PolyPhen-2: "Benign"; Align-GVGD: "Class C65"). This sequence change replaces threonine, which is neutral and polar, with isoleucine, which is neutral and non-polar, at codon 58 of the ATOH7 protein (p.Thr58Ile). This variant is not present in population databases (gnomAD no frequency). This variant has not been reported in the literature in individuals affected with ATOH7-related conditions. ClinVar contains an entry for this variant (Variation ID: 961790). In summary, the available evidence is currently insufficient to determine the role of this variant in disease. Therefore, it has been classified as a Variant of Uncertain Significance.